The following is an entry in ClinVar:

ClinVar aggregate classification (germline): Uncertain significance (1 of 4 stars; one submission).

Conditions:
Cardiomyopathy (CMYO). Also called: Cardiomyopathies. Identifiers: Orphanet 167848, MedGen C0878544, MONDO:0004994, HP:0001638. Inheritance: Various modes of inheritance.

Submission:

Color Diagnostics, LLC DBA Color Health
Classification: Uncertain significance for Cardiomyopathy. Last evaluated: 2023-04-17. Review status: criteria provided, single submitter. Criteria: ACMG Guidelines, 2015. Collection method: clinical testing. Allele origin: germline.
Comment: This missense variant replaces tryptophan with cysteine at codon 1101 of the RYR2 protein. Computational prediction is inconclusive regarding the impact of this variant on protein structure and function (internally defined REVEL score threshold 0.5 < inconclusive < 0.7, PMID: 27666373). To our knowledge, functional studies have not been reported for this variant. This variant has not been reported in individuals affected with RYR2-related disorders in the literature. This variant has not been identified in the general population by the Genome Aggregation Database (gnomAD). The available evidence is insufficient to determine the role of this variant in disease conclusively. Therefore, this variant is classified as a Variant of Uncertain Significance.

NM_001035.3(RYR2):c.3303G>T (p.Trp1101Cys)

Gene: RYR2 (ryanodine receptor 2; plus strand). Cytogenetic location: 1q43.
Variant type: single nucleotide variant.
Coding change: c.3303G>T on transcript NM_001035.3 (MANE Select); coding-DNA position 3303, G replaced by T.
Protein change: p.Trp1101Cys; replaces tryptophan 1101 with cysteine.
Molecular consequence: missense variant.
Genome position (GRCh38, 1-based): chr1:237,566,655, G>T. VCF-style: chr1-237566655-G-T. GRCh37 (hg19) VCF-style: chr1-237729955-G-T.
Other names: short protein forms W1101C.
Identifiers: ClinVar variation 2774280 (VCV002774280.2), dbSNP rs2546424988, ClinGen allele CA345398238.